The following is an entry in ClinVar:

ClinVar aggregate classification (germline): Likely benign (1 of 4 stars; one submission).

Submission:

CeGaT Center for Human Genetics Tuebingen
Classification: Likely benign. Last evaluated: 2023-05-01. Review status: criteria provided, single submitter. Criteria: CeGaT Center For Human Genetics Tuebingen Variant Classification Criteria Version 2. Collection method: clinical testing. Allele origin: germline. Affected: yes. Observed: 1 variant allele.
Comment: TMEM147: PM2:Supporting, BP4, BP7

NM_032635.4(TMEM147):c.7C>T (p.Leu3=)

Genes: TMEM147 (transmembrane protein 147; plus strand), TMEM147-AS1 (TMEM147 antisense RNA 1; minus strand). Cytogenetic location: 19q13.12.
Variant type: single nucleotide variant.
Coding change: c.7C>T on transcript NM_032635.4 (MANE Select); coding-DNA position 7, C replaced by T.
Protein change: p.Leu3=; no amino-acid change (leucine 3 retained).
Molecular consequence: synonymous variant. On other transcripts: 5 prime UTR variant (1).
Genome position (GRCh38, 1-based): chr19:35,545,746, C>T. VCF-style: chr19-35545746-C-T. GRCh37 (hg19) VCF-style: chr19-36036648-C-T.
Other names: c.-212C>T (NM_001242597.2); c.7C>T, p.Leu3= (NM_001242598.2).
Identifiers: ClinVar variation 2571039 (VCV002571039.27), dbSNP rs2514729169, ClinGen allele CA507068802.